The following is an entry in ClinVar:

NM_001098629.3(IRF5):c.1089C>T (p.Ser363=)

Gene: IRF5 (interferon regulatory factor 5; plus strand). Cytogenetic location: 7q32.1.
Variant type: single nucleotide variant.
Coding change: c.1089C>T on transcript NM_001098629.3 (MANE Select); coding-DNA position 1089, C replaced by T.
Protein change: p.Ser363=; no amino-acid change (serine 363 retained).
Molecular consequence: synonymous variant.
Genome position (GRCh38, 1-based): chr7:128,948,030, C>T. VCF-style: chr7-128948030-C-T. GRCh37 (hg19) VCF-style: chr7-128588084-C-T.
Other names: c.1041C>T, p.Ser347= (NM_001098627.4, NM_001098630.3, NM_032643.5); c.783C>T, p.Ser261= (NM_001242452.3); c.1089C>T, p.Ser363= (NM_001347928.2, NM_001364314.2).
Identifiers: ClinVar variation 3388513 (VCV003388513.14).
Genomic context (GRCh38, chr7:128,948,030, plus strand): 5'-CCAGCTACAGGGCCAGGACCTTTATGCCATCCGCCTGTGTCAGTGCAAGGTGTTCTGGAG[C>T]GGGCCTTGTGCCTCAGCCCATGACTCATGCCCCAACCCCATCCAGCGGGAGGTCAAGACC-3'
Protein context (NP_001092099.1, residues 353-373): IRLCQCKVFW[Ser363=]GPCASAHDSC

ClinVar aggregate classification (germline): Likely benign (1 of 4 stars; one submission).

gnomAD v4.1: 226 of 1,614,182 alleles (0.014%); highest among the groups gnomAD compares: Middle Eastern, 0.033%; no homozygotes.

Submission:

CeGaT Center for Human Genetics Tuebingen
Classification: Likely benign. Last evaluated: 2024-10-01. Review status: criteria provided, single submitter. Criteria: CeGaT Center For Human Genetics Tuebingen Variant Classification Criteria Version 2. Collection method: clinical testing. Allele origin: germline. Affected: yes. Observed: 1 variant allele.
Comment: IRF5: BP4, BP7